The following is an entry in ClinVar:

ClinVar aggregate classification (germline): Uncertain significance. Review status: criteria provided, single submitter (1 of 4 stars). 2 submissions from 2 submitters: Uncertain significance (1). 1 of the submissions does not count toward it. Last evaluated 2025-10-21.

Conditions:
RYR1-related disorder. Also called: RYR1-related disorders; RYR1-related condition. Identifiers: MedGen CN239331.

gnomAD v4.1: 4 of 1,592,954 alleles (0.00025%); highest among the groups gnomAD compares: Non-Finnish European, 0.00026%; no homozygotes.

Submissions (2):

Labcorp Genetics (formerly Invitae), Labcorp
Classification: Uncertain significance for RYR1-related disorder. Last evaluated: 2025-10-21. Review status: criteria provided, single submitter. Criteria: Invitae Variant Classification Sherloc (09022015). Collection method: clinical testing. Allele origin: germline.
Comment: This sequence change replaces glycine, which is neutral and non-polar, with serine, which is neutral and polar, at codon 4225 of the RYR1 protein (p.Gly4225Ser). This variant is not present in population databases (gnomAD no frequency). This variant has not been reported in the literature in individuals affected with RYR1-related conditions. ClinVar contains an entry for this variant (Variation ID: 3344908). Invitae Evidence Modeling of protein sequence and biophysical properties (such as structural, functional, and spatial information, amino acid conservation, physicochemical variation, residue mobility, and thermodynamic stability) indicates that this missense variant is expected to disrupt RYR1 protein function with a positive predictive value of 80%. In summary, the available evidence is currently insufficient to determine the role of this variant in disease. Therefore, it has been classified as a Variant of Uncertain Significance.

PreventionGenetics, part of Exact Sciences
Classification: Uncertain significance for RYR1-related condition. Last evaluated: 2024-09-01. Review status: no assertion criteria provided. Collection method: clinical testing. Allele origin: germline. Not counted in ClinVar's aggregate classification.
Comment: The RYR1 c.12673G>A variant is predicted to result in the amino acid substitution p.Gly4225Ser. To our knowledge, this variant has not been reported in the literature or in a large population database, indicating this variant is rare. At this time, the clinical significance of this variant is uncertain due to the absence of conclusive functional and genetic evidence.

NM_000540.3(RYR1):c.12673G>A (p.Gly4225Ser)

Gene: RYR1 (ryanodine receptor 1; plus strand). Cytogenetic location: 19q13.2.
Variant type: single nucleotide variant.
Coding change: c.12673G>A on transcript NM_000540.3 (MANE Select); coding-DNA position 12673, G replaced by A.
Protein change: p.Gly4225Ser; replaces glycine 4225 with serine.
Molecular consequence: missense variant.
Genome position (GRCh38, 1-based): chr19:38,565,007, G>A. VCF-style: chr19-38565007-G-A. GRCh37 (hg19) VCF-style: chr19-39055647-G-A.
Other names: c.12658G>A, p.Gly4220Ser (NM_001042723.2); short protein forms G4220S, G4225S.
Identifiers: ClinVar variation 3344908 (VCV003344908.3).